The following is an entry in ClinVar:

ClinVar aggregate classification (germline): Uncertain significance (1 of 4 stars; one submission).

gnomAD v4.1: 16 of 1,614,164 alleles (0.00099%); highest among the groups gnomAD compares: Non-Finnish European, 0.001%; no homozygotes.

Submission:

Ambry Genetics
Classification: Uncertain significance. Last evaluated: 2025-05-28. Review status: criteria provided, single submitter. Criteria: Ambry Variant Classification Scheme 2023. Collection method: clinical testing. Allele origin: germline.
Comment: The p.S397L variant (also known as c.1190C>T), located in coding exon 4 of the WNK2 gene, results from a C to T substitution at nucleotide position 1190. The serine at codon 397 is replaced by leucine, an amino acid with dissimilar properties. This amino acid position is conserved. In addition, the in silico prediction for this alteration is inconclusive. Based on the available evidence, the clinical significance of this variant remains unclear.

NM_006648.4(WNK2):c.1190C>T (p.Ser397Leu)

Gene: WNK2 (WNK lysine deficient protein kinase 2; plus strand). Cytogenetic location: 9q22.31.
Variant type: single nucleotide variant.
Coding change: c.1190C>T on transcript NM_006648.4 (MANE Select); coding-DNA position 1190, C replaced by T.
Protein change: p.Ser397Leu; replaces serine 397 with leucine.
Molecular consequence: missense variant.
Genome position (GRCh38, 1-based): chr9:93,234,922, C>T. VCF-style: chr9-93234922-C-T. GRCh37 (hg19) VCF-style: chr9-95997204-C-T.
Other names: c.1190C>T, p.Ser397Leu (NM_001282394.3); short protein forms S397L.
Identifiers: ClinVar variation 3982128 (VCV003982128.1).
Genomic context (GRCh38, chr9:93,234,922, plus strand): 5'-TGGACGTCTATGCCTTTGGGATGTGCATGCTGGAGATGGCCACCTCGGAGTACCCCTACT[C>T]GGAGTGCCAGAATGCGGCCCAGATCTACCGCAAGGTCACCTGTGTGAGTCCACCTGGCCC-3'
Protein context (NP_006639.3, residues 387-407): LEMATSEYPY[Ser397Leu]ECQNAAQIYR